The following is an entry in ClinVar:

ClinVar aggregate classification (germline): Uncertain significance (1 of 4 stars; one submission).

Conditions:
Fanconi anemia (FA). Also called: Fanconi's anemia. Identifiers: Orphanet 84, MedGen C0015625, MeSH D005199, MONDO:0019391.

Submission:

Labcorp Genetics (formerly Invitae), Labcorp
Classification: Uncertain significance for Fanconi anemia. Last evaluated: 2022-11-04. Review status: criteria provided, single submitter. Criteria: Invitae Variant Classification Sherloc (09022015). Collection method: clinical testing. Allele origin: germline.
Comment: This sequence change replaces glycine, which is neutral and non-polar, with glutamic acid, which is acidic and polar, at codon 773 of the FANCM protein (p.Gly773Glu). This variant is not present in population databases (gnomAD no frequency). This variant has not been reported in the literature in individuals affected with FANCM-related conditions. Algorithms developed to predict the effect of sequence changes on RNA splicing suggest that this variant may create or strengthen a splice site. Algorithms developed to predict the effect of missense changes on protein structure and function output the following: SIFT: "Deleterious"; PolyPhen-2: "Benign"; Align-GVGD: "Class C0". The glutamic acid amino acid residue is found in multiple mammalian species, which suggests that this missense change does not adversely affect protein function. In summary, the available evidence is currently insufficient to determine the role of this variant in disease. Therefore, it has been classified as a Variant of Uncertain Significance.

NM_020937.4(FANCM):c.2318G>A (p.Gly773Glu)

Gene: FANCM (FA complementation group M; plus strand). Cytogenetic location: 14q21.2.
Variant type: single nucleotide variant.
Coding change: c.2318G>A on transcript NM_020937.4 (MANE Select); coding-DNA position 2318, G replaced by A.
Protein change: p.Gly773Glu; replaces glycine 773 with glutamic acid.
Molecular consequence: missense variant.
Genome position (GRCh38, 1-based): chr14:45,175,072, G>A. VCF-style: chr14-45175072-G-A. GRCh37 (hg19) VCF-style: chr14-45644275-G-A.
Other names: c.2240G>A, p.Gly747Glu (NM_001308133.2); short protein forms G747E, G773E.
Identifiers: ClinVar variation 2810883 (VCV002810883.3), dbSNP rs2503179778, ClinGen allele CA389597340.